The following is an entry in ClinVar:

NM_175914.5(HNF4A):c.225-3C>A

Gene: HNF4A (hepatocyte nuclear factor 4 alpha; plus strand). Cytogenetic location: 20q13.12.
Variant type: single nucleotide variant.
Coding change: c.225-3C>A on transcript NM_175914.5 (MANE Select); 3 bases into the intron before coding-DNA position 225, C replaced by A.
Molecular consequence: intron variant.
Genome position (GRCh38, 1-based): chr20:44,407,378, C>A. VCF-style: chr20-44407378-C-A. GRCh37 (hg19) VCF-style: chr20-43036018-C-A.
Other names: c.216-3C>A (NM_001287182.2, NM_001287183.2, NM_001287184.2); c.225-3C>A (NM_001030003.3, NM_001030004.3); c.270-3C>A (NM_001258355.2); c.291-3C>A (NM_178849.3, NM_000457.6, NM_178850.3).
Identifiers: ClinVar variation 2580873 (VCV002580873.2), dbSNP rs2515650628, ClinGen allele CA2580618156.

ClinVar aggregate classification (germline): Likely pathogenic (1 of 4 stars; one submission).

Conditions:
Maturity-onset diabetes of the young (MODY). Also called: Maturity onset diabetes mellitus in young. Identifiers: Orphanet 552, MedGen C0342276, MONDO:0018911, HP:0004904.

Submission:

Dept of Medical Genetics, AP-HP Sorbonne University, Pitié-Salpêtrière hospital
Classification: Likely pathogenic for MODY. Last evaluated: 2022-11-01. Review status: criteria provided, single submitter. Criteria: ACMG Guidelines, 2015. Collection method: clinical testing. Allele origin: germline. Affected: yes.
Comment: minigene showed effect on RNA splicing: retention of the last 17 bp of intron 2 (r.224_225ins10, p.Arg75Serfs*6). PS3 PM2